The following is an entry in ClinVar:

ClinVar aggregate classification (germline): Conflicting classifications of pathogenicity. Review status: criteria provided, conflicting classifications (1 of 4 stars). 7 submissions from 7 submitters: Uncertain significance (1); Benign (1); Likely benign (4). 1 of the submissions does not count toward it. Last evaluated 2025-12-29.

Conditions:
Epidermolysis bullosa simplex with nail dystrophy (EBS5D). Identifiers: MedGen C4225309, MONDO:0014661, OMIM 616487.
Autosomal recessive limb-girdle muscular dystrophy type 2Q (LGMDR17). Also called: MUSCULAR DYSTROPHY, LIMB-GIRDLE, AUTOSOMAL RECESSIVE 17. Identifiers: Orphanet 254361, MedGen C3150989, MONDO:0013390, OMIM 613723.
Epidermolysis bullosa simplex, Ogna type (EBS5A). Also called: Pidermolysis bullosa simplex 5A, Ogna type; EPIDERMOLYSIS BULLOSA SIMPLEX 5A, OGNA TYPE. Identifiers: Orphanet 79401, MedGen C0432317, MONDO:0007555, OMIM 131950.
Epidermolysis bullosa simplex 5B, with muscular dystrophy (EBS5B). Also called: Epidermolysis bullosa simplex with muscular dystrophy; EPIDERMOLYSIS BULLOSA SIMPLEX AND LIMB-GIRDLE MUSCULAR DYSTROPHY. Identifiers: Orphanet 257, MedGen C2931072, MONDO:0009181, OMIM 226670.
Epidermolysis bullosa simplex 5C, with pyloric atresia (EBS5C). Also called: PLEC-Related Epidermolysis Bullosa with Pyloric Atresia; Epidermolysis bullosa simplex with pyloric atresia; PLEC1-Related Epidermolysis Bullosa with Pyloric Atresia. Identifiers: Orphanet 158684, MedGen C2677349, MONDO:0012807, OMIM 612138.
PLEC-related disorder. Also called: PLEC-related disorders; PLEC-related condition.

Allele frequency attached by ClinVar (database versions not stated): ESP Exome Variant Server 0.00039; gnomAD 0.00040 and 0.00038; ExAC 0.00048; gnomAD exomes 0.00059 and 0.00030; 1000 Genomes Project 30x 0.00016; 1000 Genomes Project 0.00020; TOPMed 0.00034.
gnomAD v4.1: 538 of 1,614,006 alleles (0.033%); highest among the groups gnomAD compares: African/African-American, 0.011%; 3 homozygotes.

Submissions (7):

Labcorp Genetics (formerly Invitae), Labcorp
Classification: Likely benign for Autosomal recessive limb-girdle muscular dystrophy type 2Q; Epidermolysis bullosa simplex, Ogna type; Epidermolysis bullosa simplex with nail dystrophy; Epidermolysis bullosa simplex 5C, with pyloric atresia; Epidermolysis bullosa simplex 5B, with muscular dystrophy. Last evaluated: 2025-12-29. Review status: criteria provided, single submitter. Criteria: Invitae Variant Classification Sherloc (09022015). Collection method: clinical testing. Allele origin: germline.

Blueprint Genetics
Classification: Likely benign. Last evaluated: 2024-11-18. Review status: criteria provided, single submitter. Criteria: ACMG Guidelines, 2015. Collection method: clinical testing. Allele origin: germline.

CeGaT Center for Human Genetics Tuebingen
Classification: Likely benign. Last evaluated: 2022-05-01. Review status: criteria provided, single submitter. Criteria: CeGaT Center For Human Genetics Tuebingen Variant Classification Criteria Version 2. Collection method: clinical testing. Allele origin: germline. Affected: yes. Observed: 1 variant allele.
Comment: PLEC: BP4, BP7

GeneDx
Classification: Likely benign. Last evaluated: 2021-03-01. Review status: criteria provided, single submitter. Criteria: GeneDx Variant Classification Process June 2021. Collection method: clinical testing. Allele origin: germline. Affected: yes.

Athena Diagnostics
Classification: Benign. Last evaluated: 2018-12-03. Review status: criteria provided, single submitter. Criteria: Athena Diagnostics Criteria. Collection method: clinical testing. Allele origin: germline.

Eurofins Ntd Llc (ga)
Classification: Uncertain significance. Last evaluated: 2017-01-17. Review status: criteria provided, single submitter. Criteria: EGL Classification Definitions 2015. Collection method: clinical testing. Allele origin: germline. Observed: 2 variant alleles, 2 heterozygotes.

PreventionGenetics, part of Exact Sciences
Classification: Benign for PLEC-related condition. Last evaluated: 2024-07-16. Review status: no assertion criteria provided. Collection method: clinical testing. Allele origin: germline. Not counted in ClinVar's aggregate classification.
Comment: This variant is classified as benign based on ACMG/AMP sequence variant interpretation guidelines (Richards et al. 2015 PMID: 25741868, with internal and published modifications).

NM_201384.3(PLEC):c.8613C>T (p.Cys2871=)

Gene: PLEC (plectin; minus strand). Cytogenetic location: 8q24.3.
Variant type: single nucleotide variant.
Coding change: c.8613C>T on transcript NM_201384.3 (MANE Select); coding-DNA position 8613, C replaced by T.
Protein change: p.Cys2871=; no amino-acid change (cysteine 2871 retained).
Molecular consequence: synonymous variant.
Genome position (GRCh38, 1-based): chr8:143,921,208, G>A on the plus strand (C>T on the coding strand, the complement: PLEC is on the minus strand). VCF-style: chr8-143921208-G-A. GRCh37 (hg19) VCF-style: chr8-144995376-G-A.
Other names: c.8694C>T, p.Cys2898= (NM_000445.5); c.8571C>T, p.Cys2857= (NM_201378.4); c.8547C>T, p.Cys2849= (NM_201379.3); c.9024C>T, p.Cys3008= (NM_201380.4); c.8517C>T, p.Cys2839= (NM_201381.3); c.8613C>T, p.Cys2871= (NM_201382.4); c.8625C>T, p.Cys2875= (NM_201383.3).
Identifiers: ClinVar variation 386445 (VCV000386445.46), dbSNP rs35821434, ClinGen allele CA4925249.